The following is an entry in ClinVar:

NM_001330078.2(NRXN1):c.2738C>T (p.Ser913Leu)

Gene: NRXN1 (neurexin 1; minus strand). Cytogenetic location: 2p16.3.
Variant type: single nucleotide variant.
Coding change: c.2738C>T on transcript NM_001330078.2 (MANE Select); coding-DNA position 2738, C replaced by T.
Protein change: p.Ser913Leu; replaces serine 913 with leucine.
Molecular consequence: missense variant.
Genome position (GRCh38, 1-based): chr2:50,497,474, G>A on the plus strand (C>T on the coding strand, the complement: NRXN1 is on the minus strand). VCF-style: chr2-50497474-G-A. GRCh37 (hg19) VCF-style: chr2-50724612-G-A.
Other names: c.2738C>T, p.Ser913Leu (NM_004801.6, NM_001330086.2); c.2858C>T, p.Ser953Leu (NM_001135659.3); c.2714C>T, p.Ser905Leu (NM_001330077.2, NM_001330082.2); c.2672C>T, p.Ser891Leu (NM_001330083.2, NM_001330084.2); c.2711C>T, p.Ser904Leu (NM_001330085.2); c.2627C>T, p.Ser876Leu (NM_001330087.2, NM_001330096.2); c.2657C>T, p.Ser886Leu (NM_001330088.2); c.2735C>T, p.Ser912Leu (NM_001330093.2); and 2 more; short protein forms S891L, S953L, S905L, S909L, S912L, S876L, S896L, S886L.
Identifiers: ClinVar variation 2720940 (VCV002720940.3), dbSNP rs77454382, ClinGen allele CA1654740.

ClinVar aggregate classification (germline): Uncertain significance (1 of 4 stars; one submission).

Conditions:
Pitt-Hopkins-like syndrome 2 (PTHSL2). Identifiers: Orphanet 221150, Orphanet 600663, MedGen C3280479, MONDO:0013690, OMIM 614325.

Allele frequency attached by ClinVar (database versions not stated): gnomAD exomes below 0.00001; ExAC 0.00001; gnomAD 0.00001; TOPMed 0.00001.
gnomAD v4.1: 8 of 1,613,730 alleles (0.0005%); highest among the groups gnomAD compares: East Asian, 0.0022%; no homozygotes.

Submission:

Labcorp Genetics (formerly Invitae), Labcorp
Classification: Uncertain significance for Pitt-Hopkins-like syndrome 2. Last evaluated: 2024-09-10. Review status: criteria provided, single submitter. Criteria: Invitae Variant Classification Sherloc (09022015). Collection method: clinical testing. Allele origin: germline.
Comment: This sequence change replaces serine, which is neutral and polar, with leucine, which is neutral and non-polar, at codon 953 of the NRXN1 protein (p.Ser953Leu). This variant is present in population databases (rs77454382, gnomAD 0.006%). This variant has not been reported in the literature in individuals affected with NRXN1-related conditions. An algorithm developed to predict the effect of missense changes on protein structure and function (PolyPhen-2) suggests that this variant is likely to be tolerated. In summary, the available evidence is currently insufficient to determine the role of this variant in disease. Therefore, it has been classified as a Variant of Uncertain Significance.